The following is an entry in ClinVar:

ClinVar aggregate classification (germline): Uncertain significance (1 of 4 stars; one submission).

Allele frequency attached by ClinVar (database versions not stated): TOPMed below 0.00001; ExAC 0.00001; gnomAD 0.00001; gnomAD exomes 0.00001.
gnomAD v4.1: 5 of 1,613,462 alleles (0.00031%); highest among the groups gnomAD compares: South Asian, 0.0044%; no homozygotes.

Submission:

Labcorp Genetics (formerly Invitae), Labcorp
Classification: Uncertain significance. Last evaluated: 2021-03-25. Review status: criteria provided, single submitter. Criteria: Invitae Variant Classification Sherloc (09022015). Collection method: clinical testing. Allele origin: germline.
Comment: Algorithms developed to predict the effect of missense changes on protein structure and function (SIFT, PolyPhen-2, Align-GVGD) all suggest that this variant is likely to be tolerated, but these predictions have not been confirmed by published functional studies and their clinical significance is uncertain. In summary, the available evidence is currently insufficient to determine the role of this variant in disease. Therefore, it has been classified as a Variant of Uncertain Significance. Algorithms developed to predict the effect of sequence changes on RNA splicing suggest that this variant may create or strengthen a splice site, but this prediction has not been confirmed by published transcriptional studies. This variant has not been reported in the literature in individuals with SLC1A2-related conditions. This variant is present in population databases (rs750650650, ExAC 0.006%). This sequence change replaces aspartic acid with glycine at codon 502 of the SLC1A2 protein (p.Asp502Gly). The aspartic acid residue is moderately conserved and there is a moderate physicochemical difference between aspartic acid and glycine.

NM_004171.4(SLC1A2):c.1505A>G (p.Asp502Gly)

Gene: SLC1A2 (solute carrier family 1 member 2; minus strand). Cytogenetic location: 11p13.
Variant type: single nucleotide variant.
Coding change: c.1505A>G on transcript NM_004171.4 (MANE Select); coding-DNA position 1505, A replaced by G.
Protein change: p.Asp502Gly; replaces aspartic acid 502 with glycine.
Molecular consequence: missense variant.
Genome position (GRCh38, 1-based): chr11:35,265,675, T>C on the plus strand (A>G on the coding strand, the complement: SLC1A2 is on the minus strand). VCF-style: chr11-35265675-T-C. GRCh37 (hg19) VCF-style: chr11-35287222-T-C.
Other names: c.1478A>G, p.Asp493Gly (NM_001195728.3, NM_001252652.2); short protein forms D502G, D493G.
Identifiers: ClinVar variation 1440626 (VCV001440626.8), dbSNP rs750650650, ClinGen allele CA5947068.
Genomic context (GRCh38, chr11:35,265,675, plus strand): 5'-ATGGATTGAGTCTTGGTCATTTCAATATCTTCATGCACTCGATGCTGGGAGTCAATGGTA[T>C]CCAGCTCAGACTTGGAGAGGTGATAGACTATCCCAGCCCCAAAAGAGTCACCCACAACAT-3'
Protein context (NP_004162.2, residues 492-512): IVYHLSKSEL[Asp502Gly]TIDSQHRVHE